The following is an entry in ClinVar:

NM_001145809.2(MYH14):c.1800C>T (p.Ala600=)

Gene: MYH14 (myosin heavy chain 14; plus strand). Cytogenetic location: 19q13.33.
Variant type: single nucleotide variant.
Coding change: c.1800C>T on transcript NM_001145809.2 (MANE Select); coding-DNA position 1800, C replaced by T.
Protein change: p.Ala600=; no amino-acid change (alanine 600 retained).
Molecular consequence: synonymous variant.
Genome position (GRCh38, 1-based): chr19:50,250,658, C>T. VCF-style: chr19-50250658-C-T. GRCh37 (hg19) VCF-style: chr19-50753915-C-T.
Other names: c.1800C>T, p.Ala600= (NM_001077186.2); c.1776C>T, p.Ala592= (NM_024729.4).
Identifiers: ClinVar variation 329913 (VCV000329913.10), dbSNP rs745625855, ClinGen allele CA9592713.
Genomic context (GRCh38, chr19:50,250,658, plus strand): 5'-AGCCCAGGAGCAGGGCGGCCACCCCAAGTTCCAGCGGCCGAGGCACCTGCGGGATCAGGC[C>T]GACTTCAGTGTTCTCCACTACGCGGGCAAGGTAGGGGCTGGGGCCGGCCTTGGGGCATGT-3'
Protein context (NP_001139281.1, residues 590-610): FQRPRHLRDQ[Ala600=]DFSVLHYAGK

ClinVar aggregate classification (germline): Conflicting classifications of pathogenicity. Review status: criteria provided, conflicting classifications (1 of 4 stars). 3 submissions from 3 submitters: Uncertain significance (1); Likely benign (2). Last evaluated 2026-05-01.

Conditions:
Autosomal dominant nonsyndromic hearing loss 4A. Also called: Deafness, autosomal dominant 4A. Identifiers: Orphanet 90635, MedGen C1833503, MONDO:0010915, OMIM 600652.

Allele frequency attached by ClinVar (database versions not stated): ExAC 0.00001; gnomAD exomes 0.00002; TOPMed 0.00002; gnomAD 0.00003.
gnomAD v4.1: 21 of 1,613,742 alleles (0.0013%); highest among the groups gnomAD compares: East Asian, 0.016%; no homozygotes.

Submissions (3):

CeGaT Center for Human Genetics Tuebingen
Classification: Likely benign. Last evaluated: 2026-05-01. Review status: criteria provided, single submitter. Criteria: CeGaT Center For Human Genetics Tuebingen Variant Classification Criteria Version 2. Collection method: clinical testing. Allele origin: germline. Affected: yes. Observed: 1 variant allele.
Comment: MYH14: BP4, BP7

Labcorp Genetics (formerly Invitae), Labcorp
Classification: Likely benign. Last evaluated: 2023-04-10. Review status: criteria provided, single submitter. Criteria: Invitae Variant Classification Sherloc (09022015). Collection method: clinical testing. Allele origin: germline.

Illumina Laboratory Services, Illumina
Classification: Uncertain significance for Autosomal dominant nonsyndromic hearing loss 4A. Last evaluated: 2018-01-13. Review status: criteria provided, single submitter. Criteria: ICSL Variant Classification Criteria 13 December 2019. Collection method: clinical testing. Allele origin: germline.